The following is an entry in ClinVar:

ClinVar aggregate classification (germline): Uncertain significance (1 of 4 stars; one submission).

Allele frequency attached by ClinVar (database versions not stated): TOPMed 0.00001.
gnomAD v4.1: 1 of 1,613,974 alleles (0.000062%); highest among the groups gnomAD compares: Admixed American, 0.0017%; no homozygotes.

Submission:

Labcorp Genetics (formerly Invitae), Labcorp
Classification: Uncertain significance. Last evaluated: 2024-10-17. Review status: criteria provided, single submitter. Criteria: Invitae Variant Classification Sherloc (09022015). Collection method: clinical testing. Allele origin: germline.
Comment: This sequence change replaces aspartic acid, which is acidic and polar, with glutamic acid, which is acidic and polar, at codon 886 of the AARS2 protein (p.Asp886Glu). The frequency data for this variant in the population databases is considered unreliable, as metrics indicate poor data quality at this position in the gnomAD database. This variant has not been reported in the literature in individuals affected with AARS2-related conditions. ClinVar contains an entry for this variant (Variation ID: 1379544). Invitae Evidence Modeling of protein sequence and biophysical properties (such as structural, functional, and spatial information, amino acid conservation, physicochemical variation, residue mobility, and thermodynamic stability) indicates that this missense variant is not expected to disrupt AARS2 protein function with a negative predictive value of 80%. In summary, the available evidence is currently insufficient to determine the role of this variant in disease. Therefore, it has been classified as a Variant of Uncertain Significance.

NM_020745.4(AARS2):c.2658C>A (p.Asp886Glu)

Gene: AARS2 (alanyl-tRNA synthetase 2, mitochondrial; minus strand). Cytogenetic location: 6p21.1.
Variant type: single nucleotide variant.
Coding change: c.2658C>A on transcript NM_020745.4 (MANE Select); coding-DNA position 2658, C replaced by A.
Protein change: p.Asp886Glu; replaces aspartic acid 886 with glutamic acid.
Molecular consequence: missense variant.
Genome position (GRCh38, 1-based): chr6:44,301,405, G>T on the plus strand (C>A on the coding strand, the complement: AARS2 is on the minus strand). VCF-style: chr6-44301405-G-T. GRCh37 (hg19) VCF-style: chr6-44269142-G-T.
Other names: short protein forms D886E.
Identifiers: ClinVar variation 1379544 (VCV001379544.7), dbSNP rs758434921, ClinGen allele CA364336025.